The following is an entry in ClinVar:

NM_001903.5(CTNNA1):c.1748-18G>T

Gene: CTNNA1 (catenin alpha 1; plus strand). Cytogenetic location: 5q31.2.
Variant type: single nucleotide variant.
Coding change: c.1748-18G>T on transcript NM_001903.5 (MANE Select); 18 bases into the intron before coding-DNA position 1748, G replaced by T.
Molecular consequence: intron variant.
Genome position (GRCh38, 1-based): chr5:138,925,238, G>T. VCF-style: chr5-138925238-G-T. GRCh37 (hg19) VCF-style: chr5-138260927-G-T.
Other names: c.1748-18G>T (NM_001323982.2, NM_001323984.2, NM_001290307.3 and 2 more transcripts); c.1655-18G>T (NM_001323986.2); c.1379-18G>T (NM_001290310.3); c.1439-18G>T (NM_001290309.3); c.638-18G>T (NM_001323996.1, NM_001323993.1, NM_001324005.1 and 17 more transcripts); c.299-18G>T (NM_001324007.1, NM_001324009.1, NM_001324006.1 and 2 more transcripts); c.395-18G>T (NM_001324013.1, NM_001324012.1); c.545-18G>T (NM_001324011.1).
Identifiers: ClinVar variation 3773452 (VCV003773452.2).
Genomic context (GRCh38, chr5:138,925,238, plus strand): 5'-AGCTGAGTGATTCAGGGAGGGCCAGGGGAATGATGCTGCCTGCTGACCAGGGTATCTACT[G>T]TGCCTCTTTCTCCACAGTCATGCCACGTTTTACTGAGCAAGTAGAAGCAGCCGTGGAAGC-3'

ClinVar aggregate classification (germline): Likely benign. Review status: criteria provided, multiple submitters, no conflicts (2 of 4 stars). 2 submissions from 2 submitters: Likely benign (2). Last evaluated 2025-05-07.

Conditions:
Hereditary diffuse gastric adenocarcinoma (HDGC). Also called: DIFFUSE GASTRIC AND LOBULAR BREAST CANCER SYNDROME. Identifiers: Orphanet 26106, MedGen C1708349, MONDO:0007648, OMIM 137215.

Submissions (2):

Labcorp Genetics (formerly Invitae), Labcorp
Classification: Likely benign. Last evaluated: 2025-05-07. Review status: criteria provided, single submitter. Criteria: Invitae Variant Classification Sherloc (09022015). Collection method: clinical testing. Allele origin: germline.

Myriad Genetics, Inc.
Classification: Likely benign for Hereditary diffuse gastric adenocarcinoma. Last evaluated: 2024-10-14. Review status: criteria provided, single submitter. Criteria: Myriad Autosomal Dominant, Autosomal Recessive and X-Linked Classification Criteria (2023). Collection method: clinical testing. Allele origin: unknown.
Comment: This variant is considered likely benign. This variant is intronic and is not expected to impact mRNA splicing.